The following is an entry in ClinVar:

NM_182914.3(SYNE2):c.4351A>G (p.Ser1451Gly)

Gene: SYNE2 (spectrin repeat containing nuclear envelope protein 2; plus strand). Cytogenetic location: 14q23.2.
Variant type: single nucleotide variant.
Coding change: c.4351A>G on transcript NM_182914.3 (MANE Select); coding-DNA position 4351, A replaced by G.
Protein change: p.Ser1451Gly; replaces serine 1451 with glycine.
Molecular consequence: missense variant.
Genome position (GRCh38, 1-based): chr14:64,003,284, A>G. VCF-style: chr14-64003284-A-G. GRCh37 (hg19) VCF-style: chr14-64470002-A-G.
Other names: c.4351A>G, p.Ser1451Gly (NM_015180.6); short protein forms S1451G.
Identifiers: ClinVar variation 581695 (VCV000581695.8), dbSNP rs535438406, ClinGen allele CA390000422.

ClinVar aggregate classification (germline): Uncertain significance (1 of 4 stars; one submission).

Conditions:
Emery-Dreifuss muscular dystrophy 5, autosomal dominant (EDMD5). Also called: EMERY-DREIFUSS MUSCULAR DYSTROPHY 5. Identifiers: Orphanet 261, MedGen C2751805, MONDO:0013072, OMIM 612999.

Submission:

Labcorp Genetics (formerly Invitae), Labcorp
Classification: Uncertain significance for Emery-Dreifuss muscular dystrophy 5, autosomal dominant. Last evaluated: 2018-05-12. Review status: criteria provided, single submitter. Criteria: Invitae Variant Classification Sherloc (09022015). Collection method: clinical testing. Allele origin: germline.
Comment: In summary, the available evidence is currently insufficient to determine the role of this variant in disease. Therefore, it has been classified as a Variant of Uncertain Significance. Algorithms developed to predict the effect of missense changes on protein structure and function output the following: SIFT: "Tolerated"; PolyPhen-2: "Benign"; Align-GVGD: "Class C0". The glycine amino acid residue is found in multiple mammalian species, suggesting that this missense change does not adversely affect protein function. These predictions have not been confirmed by published functional studies and their clinical significance is uncertain. This variant has not been reported in the literature in individuals with SYNE2-related disease. This variant is not present in population databases (ExAC no frequency). This sequence change replaces serine with glycine at codon 1451 of the SYNE2 protein (p.Ser1451Gly). The serine residue is weakly conserved and there is a small physicochemical difference between serine and glycine.